The following is an entry in ClinVar:

NM_000540.3(RYR1):c.4999C>T (p.Arg1667Cys)

Gene: RYR1 (ryanodine receptor 1; plus strand). Cytogenetic location: 19q13.2.
Variant type: single nucleotide variant.
Coding change: c.4999C>T on transcript NM_000540.3 (MANE Select); coding-DNA position 4999, C replaced by T.
Protein change: p.Arg1667Cys; replaces arginine 1667 with cysteine.
Molecular consequence: missense variant.
Genome position (GRCh38, 1-based): chr19:38,485,654, C>T. VCF-style: chr19-38485654-C-T. GRCh37 (hg19) VCF-style: chr19-38976294-C-T.
Other names: NM_000540.2(RYR1):c.4999C>T; c.4999C>T, p.Arg1667Cys (NM_001042723.2); short protein forms R1667C.
Identifiers: ClinVar variation 224380 (VCV000224380.74), dbSNP rs144157950, ClinGen allele CA212170.
Genomic context (GRCh38, chr19:38,485,654, plus strand): 5'-ATGGACATCCTGGAGCTGTCGGAGCGCCTGGACCTGCAGCGCTTCCACTCGCACACCCTG[C>T]GCCTCTACCGCGCTGTGTGCGCCCTGGGCAACAATCGCGTGGCGCACGCTCTGTGCAGCC-3'
Protein context (NP_000531.2, residues 1657-1677): DLQRFHSHTL[Arg1667Cys]LYRAVCALGN

ClinVar aggregate classification (germline): Benign. Review status: reviewed by expert panel (3 of 4 stars). 19 submissions from 18 submitters: Benign (1). 18 of the submissions do not count toward it. Last evaluated 2021-03-17.

Conditions:
RYR1-related disorder. Also called: RYR1-related disorders; RYR1-related condition. Identifiers: MedGen CN239331.
Malignant hypothermia.
Congenital multicore myopathy with external ophthalmoplegia (CMYO1B). Also called: Minicore myopathy with external ophthalmoplegia; MULTICORE MYOPATHY; Congenital myopathy 1B, autosomal recessive; Minicore myopathy; MULTIMINICORE DISEASE WITH EXTERNAL OPHTHALMOPLEGIA. Identifiers: Orphanet 598, Orphanet 98905, MedGen C1850674, MONDO:0009712, OMIM 255320, HP:0003789.
Malignant hyperthermia, susceptibility to, 1 (MHS1). Also called: Anesthesia related hyperthermia; Malignant hyperpyrexia; Fulminating hyperpyrexia; Pharmacogenic myopathy; RYR1-Related Malignant Hyperthermia Susceptibility; Malignant hyperthermia suceptibility 1. Identifiers: Orphanet 423, MedGen C2930980, MONDO:0007783, OMIM 145600.
Congenital myopathy with fiber type disproportion. Also called: Congenital fiber-type disproportion myopathy; Congenital fiber-type disproportion. Identifiers: Orphanet 2020, MedGen C0546264, MONDO:0009711. Inheritance: all.
King Denborough syndrome (KDS). Identifiers: MedGen C1840365, MONDO:0020485, OMIM 619542.
Central core myopathy (CMYO1A). Also called: Central core disease; Myopathy, central fibrillar; CONGENITAL MYOPATHY 1A, AUTOSOMAL DOMINANT, WITH SUSCEPTIBILITY TO MALIGNANT HYPERTHERMIA. Identifiers: Orphanet 597, MedGen C5830701, MONDO:0007294, OMIM 117000.

Allele frequency attached by ClinVar (database versions not stated): TOPMed 0.00143; gnomAD 0.00165 and 0.00174; ESP Exome Variant Server 0.00169; gnomAD exomes 0.00206 and 0.00211; ExAC 0.00211; 1000 Genomes Project 0.00220; 1000 Genomes Project 30x 0.00234.
gnomAD v4.1: 3,295 of 1,610,588 alleles (0.2%); highest among the groups gnomAD compares: East Asian, 1.7%; 21 homozygotes.

Submissions (19):

ClinGen Malignant Hyperthermia Susceptibility Variant Curation Expert Panel, ClinGen
Classification: Benign for Malignant hyperthermia, susceptibility to, 1. Last evaluated: 2021-03-17. Review status: reviewed by expert panel. Criteria: ClinGen MHS ACMG Specifications V1. Collection method: curation. Allele origin: germline. Inheritance: Autosomal dominant inheritance. Study: ClinGen.
Comment: This pathogenicity assessment is relevant only for malignant hyperthermia susceptibility (MHS) inherited in an autosomal dominant pattern. Variants in RYR1 can also cause other myopathies inherited in an autosomal dominant pattern or in an autosomal recessive pattern. Some of these disorders may predispose individuals to malignant hyperthermia. RYR1 variants may also contribute to a malignant hyperthermia reaction in combination with other genetic and non-genetic factors and the clinician needs to consider such factors in making management decisions. This sequence variant predicts a substitution of Arginine with Cysteine at codon 1667 of the RYR1 protein, p.(Arg1667Cys). The maximum allele frequency for this variant among the six major gnomAD populations is EAS: 0.0051, which is considered to be too common for a pathogenic variant causing autosomal dominantly inherited MHS, BA1. This variant has been classified as Benign. Criteria implemented: BA1.

CeGaT Center for Human Genetics Tuebingen
Classification: Benign. Last evaluated: 2026-09-01. Review status: criteria provided, single submitter. Criteria: CeGaT Center For Human Genetics Tuebingen Variant Classification Criteria Version 2. Collection method: clinical testing. Allele origin: germline. Affected: yes. Observed: 37 variant alleles. Not counted in ClinVar's aggregate classification.
Comment: RYR1: BS1, BS2

Labcorp Genetics (formerly Invitae), Labcorp
Classification: Benign for RYR1-related disorder. Last evaluated: 2026-02-03. Review status: criteria provided, single submitter. Criteria: Invitae Variant Classification Sherloc (09022015). Collection method: clinical testing. Allele origin: germline. Not counted in ClinVar's aggregate classification.

Women's Health and Genetics/Laboratory Corporation of America, LabCorp
Classification: Benign. Last evaluated: 2025-06-16. Review status: criteria provided, single submitter. Criteria: LabCorp Variant Classification Summary - May 2015. Collection method: clinical testing. Allele origin: germline. Not counted in ClinVar's aggregate classification.
Comment: Variant summary: RYR1 c.4999C>T (p.Arg1667Cys) results in a non-conservative amino acid change in the encoded protein sequence. Algorithms developed to predict the effect of missense changes on protein structure and function are either unavailable or do not agree on the potential impact of this missense change. The variant allele was found at a frequency of 0.002 in 1603620 control chromosomes, predominantly at a frequency of 0.017 within the East Asian subpopulation in the gnomAD database, including 12 homozygotes. However, the variant was reported in some East Asian subpopulations with an even higher allele frequency, e.g. in the Japanese, with an allele frequency of 0.03 (i.e. 3756 / 122390 alleles), including 66 homozygotes (in the jMorp database; PMID: 33179747). The observed variant frequency within East Asian control individuals suggests the variant is likely a benign polymorphism. The c.4999C>T has been reported in Japanese individuals with Malignant Hyperthermia (MH) susceptibility, however it was also found in controls who had no family history of MH or neuromuscular disorder (Ibarra_2006). To our knowledge, no experimental evidence demonstrating an impact on protein function has been reported. The following publication have been ascertained in the context of this evaluation (PMID: 16732084). ClinVar contains an entry for this variant (Variation ID: 224380). Based on the evidence outlined above, the variant was classified as benign.

Blueprint Genetics
Classification: Likely benign. Last evaluated: 2024-11-14. Review status: criteria provided, single submitter. Criteria: ACMG Guidelines, 2015. Collection method: clinical testing. Allele origin: germline. Not counted in ClinVar's aggregate classification.

Fulgent Genetics
Classification: Likely benign for Central core myopathy; Malignant hyperthermia, susceptibility to, 1; Congenital myopathy 4A, autosomal dominant; Congenital multicore myopathy with external ophthalmoplegia; King Denborough syndrome. Last evaluated: 2021-07-29. Review status: criteria provided, single submitter. Criteria: ACMG Guidelines, 2015. Collection method: clinical testing. Allele origin: unknown. Not counted in ClinVar's aggregate classification.

GeneDx
Classification: Likely benign. Last evaluated: 2020-09-29. Review status: criteria provided, single submitter. Criteria: GeneDx Variant Classification Process June 2021. Collection method: clinical testing. Allele origin: germline. Affected: yes. Not counted in ClinVar's aggregate classification.
Comment: This variant is associated with the following publications: (PMID: 16732084, 24195946, 21455645, 31517061)

Genetic Services Laboratory, University of Chicago
Classification: Likely benign. Last evaluated: 2019-08-15. Review status: criteria provided, single submitter. Criteria: ACMG Guidelines, 2015. Collection method: clinical testing. Allele origin: germline. Affected: no. Not counted in ClinVar's aggregate classification.

Mayo Clinic Laboratories, Mayo Clinic
Classification: Benign. Last evaluated: 2019-04-24. Review status: criteria provided, single submitter. Criteria: ACMG Guidelines, 2015. Collection method: clinical testing. Allele origin: germline. Observed: 5 variant alleles. Not counted in ClinVar's aggregate classification.

Color Diagnostics, LLC DBA Color Health
Classification: Likely benign for Malignant hyperthermia, susceptibility to, 1. Last evaluated: 2019-03-29. Review status: criteria provided, single submitter. Criteria: ACMG Guidelines, 2015. Collection method: clinical testing. Allele origin: germline. Not counted in ClinVar's aggregate classification.

Illumina Laboratory Services, Illumina
Classification: Likely benign for Congenital multicore myopathy with external ophthalmoplegia. Last evaluated: 2018-11-05. Review status: criteria provided, single submitter. Criteria: ICSL Variant Classification Criteria 13 December 2019. Collection method: clinical testing. Allele origin: germline. Not counted in ClinVar's aggregate classification.
Comment: This variant was observed as part of a predisposition screen in an ostensibly healthy population. A literature search was performed for the gene, cDNA change, and amino acid change (where applicable). No publications were found based on this search. Allele frequency data from public databases allowed determination this variant is unlikely to cause disease. Therefore, this variant is classified as likely benign.

Illumina Laboratory Services, Illumina
Classification: Likely benign for Malignant hyperthermia, susceptibility to, 1. Last evaluated: 2018-11-05. Review status: criteria provided, single submitter. Criteria: ICSL Variant Classification Criteria 13 December 2019. Collection method: clinical testing. Allele origin: germline. Not counted in ClinVar's aggregate classification.
Comment: This variant was observed as part of a predisposition screen in an ostensibly healthy population. A literature search was performed for the gene, cDNA change, and amino acid change (where applicable). Publications were found based on this search. The evidence from the literature, in combination with allele frequency data from public databases where available, was sufficient to determine this variant is unlikely to cause disease. Therefore, this variant is classified as likely benign.

Genomic Diagnostic Laboratory, Division of Genomic Diagnostics, Children's Hospital of Philadelphia
Classification: Uncertain significance for Malignant hypothermia. Last evaluated: 2015-11-20. Review status: criteria provided, single submitter. Criteria: DGD Variant Analysis Guidelines. Collection method: clinical testing. Allele origin: unknown. Not counted in ClinVar's aggregate classification.

Eurofins Ntd Llc (ga)
Classification: Likely benign. Last evaluated: 2015-07-17. Review status: criteria provided, single submitter. Criteria: EGL Classification Definitions 2015. Collection method: clinical testing. Allele origin: germline. Observed: 2 variant alleles, 2 heterozygotes. Not counted in ClinVar's aggregate classification.

Biesecker Lab/Clinical Genomics Section, National Institutes of Health
Classification: Likely benign for Malignant hyperthermia, susceptibility to, 1. Last evaluated: 2013-07-01. Review status: criteria provided, single submitter. Criteria: Gonsalves et al. 2013. Collection method: research. Allele origin: unknown. Observed: 5 variant alleles. Study: ClinSeq. Not counted in ClinVar's aggregate classification.
Comment: The study set was not selected for affection status in relation to any myopathy. Pathogenicity categories were based on literature curation. See Pubmed ID: 24195946 for details.

Breakthrough Genomics
Classification: Benign. Review status: criteria provided, single submitter. Criteria: ACMG Guidelines, 2015. Collection method: not provided. Allele origin: germline. Inheritance: Autosomal recessive inheritance. Affected: yes. Not counted in ClinVar's aggregate classification.

PreventionGenetics, part of Exact Sciences
Classification: Benign for RYR1-related condition. Last evaluated: 2020-04-01. Review status: no assertion criteria provided. Collection method: clinical testing. Allele origin: germline. Not counted in ClinVar's aggregate classification.
Comment: This variant is classified as benign based on ACMG/AMP sequence variant interpretation guidelines (Richards et al. 2015 PMID: 25741868, with internal and published modifications).

Genome Diagnostics Laboratory, University Medical Center Utrecht
Classification: Likely benign. Review status: no assertion criteria provided. Collection method: clinical testing. Allele origin: germline. Affected: yes. Study: VKGL Data-share Consensus. Not counted in ClinVar's aggregate classification.

Laboratory of Diagnostic Genome Analysis, Leiden University Medical Center (LUMC)
Classification: Likely benign. Review status: no assertion criteria provided. Collection method: clinical testing. Allele origin: germline. Affected: yes. Study: VKGL Data-share Consensus. Not counted in ClinVar's aggregate classification.

Literature cited by the submitters: PubMed 16732084 (cited by Women's Health and Genetics/Laboratory Corporation of America, LabCorp and Illumina Laboratory Services, Illumina); PubMed 21455645 (cited by Illumina Laboratory Services, Illumina).